The following is an entry in ClinVar:

NM_005732.4(RAD50):c.3538C>T (p.Arg1180Trp)

Genes: TH2LCRR (T helper type 2 locus control region associated RNA; minus strand), TH2-LCR (Th2 cytokine locus control region; plus strand), RAD50 (RAD50 double strand break repair protein; plus strand). Cytogenetic location: 5q31.1.
Variant type: single nucleotide variant.
Coding change: c.3538C>T on transcript NM_005732.4 (MANE Select); coding-DNA position 3538, C replaced by T.
Protein change: p.Arg1180Trp; replaces arginine 1180 with tryptophan.
Molecular consequence: missense variant. On other transcripts: non-coding transcript variant (2).
Genome position (GRCh38, 1-based): chr5:132,638,143, C>T. VCF-style: chr5-132638143-C-T. GRCh37 (hg19) VCF-style: chr5-131973835-C-T.
Other names: short protein forms R1180W.
Identifiers: ClinVar variation 480390 (VCV000480390.17), dbSNP rs1333645178, ClinGen allele CA360931891.

ClinVar aggregate classification (germline): Uncertain significance. Review status: criteria provided, multiple submitters, no conflicts (2 of 4 stars). 4 submissions from 4 submitters: Uncertain significance (4). Last evaluated 2025-09-25.

Conditions:
Nijmegen breakage syndrome-like disorder (NBSLD). Also called: MICROCEPHALY AND SPONTANEOUS CHROMOSOME INSTABILITY WITHOUT IMMUNODEFICIENCY; NBS-LIKE DISORDER; RAD50 DEFICIENCY. Identifiers: Orphanet 240760, MedGen C2751318, MONDO:0013118, OMIM 613078.
Hereditary cancer-predisposing syndrome. Also called: Hereditary Cancer Syndrome; Neoplastic Syndromes, Hereditary; Tumor predisposition; Hereditary neoplastic syndrome. Identifiers: Orphanet 140162, MedGen C0027672, MeSH D009386, MONDO:0015356.

Allele frequency attached by ClinVar (database versions not stated): gnomAD exomes 0.00001.
gnomAD v4.1: 2 of 1,614,036 alleles (0.00012%); highest among the groups gnomAD compares: South Asian, 0.0011%; no homozygotes.

Submissions (4):

Quest Diagnostics Nichols Institute San Juan Capistrano
Classification: Uncertain significance. Last evaluated: 2025-09-25. Review status: criteria provided, single submitter. Criteria: Quest Diagnostics criteria. Collection method: clinical testing. Allele origin: unknown.
Comment: The RAD50 c.3538C>T (p.Arg1180Trp) variant has been reported in the published literature in a breast cancer case, in a large scale breast cancer association study (PMID: 33471991 (2021), see also LOVD). Additionally, this variant has been observed as a somatic variant in individuals with breast cancer (PMID: 37758711 (2023)), biliary tract cancer (PMID: 36072793 (2022)), and ampullary cancer (PMID: 26804919 (2016)). The frequency of this variant in the general population (Genome Aggregation Database) is uninformative in the assessment of its pathogenicity. Analysis of this variant using bioinformatics tools for the prediction of the effect of amino acid changes on protein structure and function yielded conflicting predictions that this variant is benign or damaging. Based on the available information, we are unable to determine the clinical significance of this variant.

Labcorp Genetics (formerly Invitae), Labcorp
Classification: Uncertain significance for Hereditary cancer-predisposing syndrome. Last evaluated: 2025-02-24. Review status: criteria provided, single submitter. Criteria: Invitae Variant Classification Sherloc (09022015). Collection method: clinical testing. Allele origin: germline.
Comment: This sequence change replaces arginine, which is basic and polar, with tryptophan, which is neutral and slightly polar, at codon 1180 of the RAD50 protein (p.Arg1180Trp). This variant is present in population databases (no rsID available, gnomAD 0.006%). This variant has not been reported in the literature in individuals affected with RAD50-related conditions. ClinVar contains an entry for this variant (Variation ID: 480390). Invitae Evidence Modeling of protein sequence and biophysical properties (such as structural, functional, and spatial information, amino acid conservation, physicochemical variation, residue mobility, and thermodynamic stability) indicates that this missense variant is expected to disrupt RAD50 protein function with a positive predictive value of 80%. In summary, the available evidence is currently insufficient to determine the role of this variant in disease. Therefore, it has been classified as a Variant of Uncertain Significance.

Ambry Genetics
Classification: Uncertain significance for Hereditary cancer-predisposing syndrome. Last evaluated: 2024-09-01. Review status: criteria provided, single submitter. Criteria: Ambry Variant Classification Scheme 2023. Collection method: clinical testing. Allele origin: germline.
Comment: The p.R1180W variant (also known as c.3538C>T), located in coding exon 23 of the RAD50 gene, results from a C to T substitution at nucleotide position 3538. The arginine at codon 1180 is replaced by tryptophan, an amino acid with dissimilar properties. This amino acid position is highly conserved in available vertebrate species. In addition, this alteration is predicted to be deleterious by in silico analysis. Since supporting evidence is limited at this time, the clinical significance of this alteration remains unclear.

Baylor Genetics
Classification: Uncertain significance for Nijmegen breakage syndrome-like disorder. Last evaluated: 2023-11-09. Review status: criteria provided, single submitter. Criteria: ACMG Guidelines, 2015. Collection method: clinical testing. Allele origin: unknown.

Literature cited by the submitters: PubMed 33471991 (cited by Quest Diagnostics Nichols Institute San Juan Capistrano); PubMed 37758711 (cited by Quest Diagnostics Nichols Institute San Juan Capistrano); PubMed 26804919 (cited by Quest Diagnostics Nichols Institute San Juan Capistrano); PubMed 36072793 (cited by Quest Diagnostics Nichols Institute San Juan Capistrano).